The following is an entry in ClinVar:

ClinVar aggregate classification (germline): Uncertain significance (1 of 4 stars; one submission).

Allele frequency attached by ClinVar (database versions not stated): gnomAD exomes below 0.00001; ExAC 0.00001.
gnomAD v4.1: 1 of 1,614,240 alleles (0.000062%); highest among the groups gnomAD compares: Admixed American, 0.0017%; no homozygotes.

Submission:

Labcorp Genetics (formerly Invitae), Labcorp
Classification: Uncertain significance. Last evaluated: 2023-03-16. Review status: criteria provided, single submitter. Criteria: Invitae Variant Classification Sherloc (09022015). Collection method: clinical testing. Allele origin: germline.
Comment: This sequence change replaces valine, which is neutral and non-polar, with leucine, which is neutral and non-polar, at codon 1285 of the A2ML1 protein (p.Val1285Leu). This variant is present in population databases (rs769398491, gnomAD 0.003%). In summary, the available evidence is currently insufficient to determine the role of this variant in disease. Therefore, it has been classified as a Variant of Uncertain Significance. Algorithms developed to predict the effect of sequence changes on RNA splicing suggest that this variant may create or strengthen a splice site. Algorithms developed to predict the effect of missense changes on protein structure and function output the following: SIFT: "Not Available"; PolyPhen-2: "Benign"; Align-GVGD: "Not Available". The leucine amino acid residue is found in multiple mammalian species, which suggests that this missense change does not adversely affect protein function. This variant has not been reported in the literature in individuals affected with A2ML1-related conditions.

NM_144670.6(A2ML1):c.3853G>T (p.Val1285Leu)

Gene: A2ML1 (alpha-2-macroglobulin like 1; plus strand). Cytogenetic location: 12p13.31.
Variant type: single nucleotide variant.
Coding change: c.3853G>T on transcript NM_144670.6 (MANE Select); coding-DNA position 3853, G replaced by T.
Protein change: p.Val1285Leu; replaces valine 1285 with leucine.
Molecular consequence: missense variant.
Genome position (GRCh38, 1-based): chr12:8,867,977, G>T. VCF-style: chr12-8867977-G-T. GRCh37 (hg19) VCF-style: chr12-9020573-G-T.
Other names: c.2380G>T, p.Val794Leu (NM_001282424.3); short protein forms V1285L, V794L.
Identifiers: ClinVar variation 3005583 (VCV003005583.3), dbSNP rs769398491, ClinGen allele CA6436496.